The following is an entry in ClinVar:

ClinVar aggregate classification (germline): Uncertain significance. Review status: criteria provided, multiple submitters, no conflicts (2 of 4 stars). 2 submissions from 2 submitters: Uncertain significance (2). Last evaluated 2025-03-21.

Conditions:
Mitochondrial complex V (ATP synthase) deficiency, nuclear type 2. Also called: Nuclear-Encoded ATPase Deficiency, TMEM70-Related; ENCEPHALOCARDIOMYOPATHY, MITOCHONDRIAL, NEONATAL, DUE TO ATP SYNTHASE DEFICIENCY; MITOCHONDRIAL COMPLEX V (ATP SYNTHASE) DEFICIENCY, TMEM70 TYPE. Identifiers: Orphanet 1194, MedGen C3279699, MONDO:0013546, OMIM 614052.
Inborn genetic diseases. Identifiers: MedGen C0950123, MeSH D030342.

Submissions (2):

Ambry Genetics
Classification: Uncertain significance for Inborn genetic diseases. Last evaluated: 2025-03-21. Review status: criteria provided, single submitter. Criteria: Ambry Variant Classification Scheme 2023. Collection method: clinical testing. Allele origin: germline.

Labcorp Genetics (formerly Invitae), Labcorp
Classification: Uncertain significance for Mitochondrial complex V (ATP synthase) deficiency, nuclear type 2. Last evaluated: 2023-11-14. Review status: criteria provided, single submitter. Criteria: Invitae Variant Classification Sherloc (09022015). Collection method: clinical testing. Allele origin: germline.
Comment: This sequence change replaces aspartic acid, which is acidic and polar, with histidine, which is basic and polar, at codon 239 of the TMEM70 protein (p.Asp239His). This variant is not present in population databases (gnomAD no frequency). This variant has not been reported in the literature in individuals affected with TMEM70-related conditions. ClinVar contains an entry for this variant (Variation ID: 2160943). Advanced modeling of protein sequence and biophysical properties (such as structural, functional, and spatial information, amino acid conservation, physicochemical variation, residue mobility, and thermodynamic stability) performed at Invitae indicates that this missense variant is expected to disrupt TMEM70 protein function with a positive predictive value of 80%. In summary, the available evidence is currently insufficient to determine the role of this variant in disease. Therefore, it has been classified as a Variant of Uncertain Significance.

NM_017866.6(TMEM70):c.715G>C (p.Asp239His)

Gene: TMEM70 (transmembrane protein 70; plus strand). Cytogenetic location: 8q21.11.
Variant type: single nucleotide variant.
Coding change: c.715G>C on transcript NM_017866.6 (MANE Select); coding-DNA position 715, G replaced by C.
Protein change: p.Asp239His; replaces aspartic acid 239 with histidine.
Molecular consequence: missense variant. On other transcripts: 3 prime UTR variant (1), non-coding transcript variant (1).
Genome position (GRCh38, 1-based): chr8:73,981,553, G>C. VCF-style: chr8-73981553-G-C. GRCh37 (hg19) VCF-style: chr8-74893788-G-C.
Other names: c.715G>C (NM_017866.5); c.*405G>C (NM_001040613.3); short protein forms D239H.
Identifiers: ClinVar variation 2160943 (VCV002160943.4), dbSNP rs2536396354, ClinGen allele CA371490583.